The following is an entry in ClinVar:

ClinVar aggregate classification (germline): Uncertain significance (1 of 4 stars; one submission).

Conditions:
Joubert syndrome 21 (JBTS21). Identifiers: MedGen C3810212, MONDO:0014288, OMIM 615636.

Allele frequency attached by ClinVar (database versions not stated): gnomAD exomes below 0.00001; ExAC 0.00001.
gnomAD v4.1: 1 of 1,613,452 alleles (0.000062%); highest among the groups gnomAD compares: Non-Finnish European, 0.000085%; no homozygotes.

Submission:

Labcorp Genetics (formerly Invitae), Labcorp
Classification: Uncertain significance for Joubert syndrome 21. Last evaluated: 2021-10-15. Review status: criteria provided, single submitter. Criteria: Invitae Variant Classification Sherloc (09022015). Collection method: clinical testing. Allele origin: germline.
Comment: This sequence change replaces tyrosine with cysteine at codon 534 of the CSPP1 protein (p.Tyr534Cys). The tyrosine residue is highly conserved and there is a large physicochemical difference between tyrosine and cysteine. This variant is present in population databases (rs766545455, ExAC 0.001%). This variant has not been reported in the literature in individuals affected with CSPP1-related conditions. Algorithms developed to predict the effect of missense changes on protein structure and function are either unavailable or do not agree on the potential impact of this missense change (SIFT: "Deleterious"; PolyPhen-2: "Probably Damaging"; Align-GVGD: "Class C0"). In summary, the available evidence is currently insufficient to determine the role of this variant in disease. Therefore, it has been classified as a Variant of Uncertain Significance.

NM_001382391.1(CSPP1):c.1616A>G (p.Tyr539Cys)

Gene: CSPP1 (centrosome and spindle pole associated protein 1; plus strand). Cytogenetic location: 8q13.2.
Variant type: single nucleotide variant.
Coding change: c.1616A>G on transcript NM_001382391.1 (MANE Select); coding-DNA position 1616, A replaced by G.
Protein change: p.Tyr539Cys; replaces tyrosine 539 with cysteine.
Molecular consequence: missense variant.
Genome position (GRCh38, 1-based): chr8:67,118,367, A>G. VCF-style: chr8-67118367-A-G. GRCh37 (hg19) VCF-style: chr8-68030602-A-G.
Other names: c.719A>G, p.Tyr240Cys (NM_001291339.2); c.1535A>G, p.Tyr512Cys (NM_001363131.2); c.1574A>G, p.Tyr525Cys (NM_001363132.2); c.1493A>G, p.Tyr498Cys (NM_001363133.2); c.1682A>G, p.Tyr561Cys (NM_001364869.1); c.1502A>G, p.Tyr501Cys (NM_001364870.1); c.1601A>G, p.Tyr534Cys (NM_024790.7); short protein forms Y539C, Y240C, Y525C, Y534C, Y561C, Y501C, Y498C, Y512C.
Identifiers: ClinVar variation 1403747 (VCV001403747.6), dbSNP rs766545455, ClinGen allele CA4770581.